The following is an entry in ClinVar:

ClinVar aggregate classification (germline): Conflicting classifications of pathogenicity. Review status: criteria provided, conflicting classifications (1 of 4 stars). 4 submissions from 4 submitters: Likely pathogenic (1); Uncertain significance (3). Last evaluated 2025-12-26.

Conditions:
TECTA-related disorder. Also called: TECTA-related condition.

Submissions (4):

PreventionGenetics, part of Exact Sciences
Classification: Uncertain significance for TECTA-related condition. Last evaluated: 2025-12-26. Review status: criteria provided, single submitter. Criteria: ACMG Guidelines, 2015. Collection method: clinical testing. Allele origin: germline.
Comment: The TECTA c.6016G>A variant is predicted to result in the amino acid substitution p.Asp2006Asn. To our knowledge, this variant has not been reported in the literature or in a large population database (gnomAD), indicating this variant is rare. Alternative variants at the same codon p.Asp2006Tyr and p.Asp2006Gly have been reported in heterozygous state in an individual with hearing loss (Bai et al. 2014. PubMed ID: 25008054; Table 1, Brownstein et al. 2020. PubMed ID: 33111345). At this time, the clinical significance of this variant is uncertain due to the absence of conclusive functional and genetic evidence.

Labcorp Genetics (formerly Invitae), Labcorp
Classification: Uncertain significance. Last evaluated: 2025-02-10. Review status: criteria provided, single submitter. Criteria: Invitae Variant Classification Sherloc (09022015). Collection method: clinical testing. Allele origin: germline.
Comment: This sequence change replaces aspartic acid, which is acidic and polar, with asparagine, which is neutral and polar, at codon 2006 of the TECTA protein (p.Asp2006Asn). This variant is not present in population databases (gnomAD no frequency). This variant has not been reported in the literature in individuals affected with TECTA-related conditions. ClinVar contains an entry for this variant (Variation ID: 1275778). Invitae Evidence Modeling of protein sequence and biophysical properties (such as structural, functional, and spatial information, amino acid conservation, physicochemical variation, residue mobility, and thermodynamic stability) has been performed for this missense variant. However, the output from this modeling did not meet the statistical confidence thresholds required to predict the impact of this variant on TECTA protein function. This variant disrupts the p.Asp2006 amino acid residue in TECTA. Other variant(s) that disrupt this residue have been determined to be pathogenic (PMID: 25008054). This suggests that this residue is clinically significant, and that variants that disrupt this residue are likely to be disease-causing. In summary, the available evidence is currently insufficient to determine the role of this variant in disease. Therefore, it has been classified as a Variant of Uncertain Significance.

GeneDx
Classification: Uncertain significance. Last evaluated: 2021-11-23. Review status: criteria provided, single submitter. Criteria: GeneDx Variant Classification Process June 2021. Collection method: clinical testing. Allele origin: germline. Affected: yes.
Comment: Not observed at significant frequency in large population cohorts (gnomAD); In silico analysis supports that this missense variant does not alter protein structure/function; Has not been previously published as pathogenic or benign to our knowledge; This variant is associated with the following publications: (PMID: 21520338, 31554319, 9590290, 16718611)

Institute of Medical Genetics and Applied Genomics, University Hospital Tübingen
Classification: Likely pathogenic. Last evaluated: 2021-09-15. Review status: criteria provided, single submitter. Criteria: ACMG Guidelines, 2015. Collection method: clinical testing. Allele origin: germline. Inheritance: Autosomal dominant inheritance. Affected: yes.

Literature cited by the submitters: PubMed 25008054 (cited by Labcorp Genetics (formerly Invitae), Labcorp).

NM_005422.4(TECTA):c.6016G>A (p.Asp2006Asn)

Genes: TBCEL-TECTA (TBCEL-TECTA readthrough; plus strand), TECTA (tectorin alpha; plus strand). Cytogenetic location: 11q23.3.
Variant type: single nucleotide variant.
Coding change: c.6016G>A on transcript NM_005422.4 (MANE Select); coding-DNA position 6016, G replaced by A.
Protein change: p.Asp2006Asn; replaces aspartic acid 2006 with asparagine.
Molecular consequence: missense variant.
Genome position (GRCh38, 1-based): chr11:121,187,848, G>A. VCF-style: chr11-121187848-G-A. GRCh37 (hg19) VCF-style: chr11-121058557-G-A.
Other names: c.6958G>A, p.Asp2320Asn (NM_001378761.1); short protein forms D2006N, D2320N.
Identifiers: ClinVar variation 1275778 (VCV001275778.7), dbSNP rs2134215546, ClinGen allele CA383009557.
Genomic context (GRCh38, chr11:121,187,848, plus strand): 5'-AGGAAAACATGTGAAGCAAAGATTCCATTATTTTTTCTGAATAGGTGTCAGAACCTCAAA[G>A]ATAACACCATTGGCATCGAGGAGAATGCAGTCTCCCTGACCTGTCGCTTTCACGTCACCG-3'
Protein context (NP_005413.2, residues 1996-2016): IIEGGCQNLK[Asp2006Asn]NTIGIEENAV